The following is an entry in ClinVar:

NM_014363.6(SACS):c.13350G>A (p.Trp4450Ter)

Gene: SACS (sacsin molecular chaperone; minus strand). Cytogenetic location: 13q12.12.
Variant type: single nucleotide variant.
Coding change: c.13350G>A on transcript NM_014363.6 (MANE Select); coding-DNA position 13350, G replaced by A.
Protein change: p.Trp4450Ter; replaces tryptophan 4450 with a stop codon.
Molecular consequence: nonsense.
Genome position (GRCh38, 1-based): chr13:23,330,526, C>T on the plus strand (G>A on the coding strand, the complement: SACS is on the minus strand). VCF-style: chr13-23330526-C-T. GRCh37 (hg19) VCF-style: chr13-23904665-C-T.
Other names: NM_001278055.2:c.12909G>A; c.13350G>A (NM_014363.5); c.12909G>A, p.Trp4303Ter (NM_001278055.2); short protein forms W4450*, W4303*.
Identifiers: ClinVar variation 2412730 (VCV002412730.6), dbSNP rs2542139382, ClinGen allele CA387505455.

ClinVar aggregate classification (germline): Likely pathogenic. Review status: criteria provided, multiple submitters, no conflicts (2 of 4 stars). 4 submissions from 4 submitters: Likely pathogenic (4). Last evaluated 2024-04-25.

Conditions:
Charlevoix-Saguenay spastic ataxia (SACS). Also called: Spastic ataxia of Charlevoix-Saguenay; SPASTIC ATAXIA 6, AUTOSOMAL RECESSIVE; AUTOSOMAL RECESSIVE SPASTIC ATAXIA OF CHARLEVOIX-SAGUENAY. Identifiers: Orphanet 98, MedGen C1849140, MONDO:0010041, OMIM 270550.
Autosomal recessive spastic ataxia. Identifiers: Orphanet 316240, MedGen C5679900, MONDO:0017847.

Allele frequency attached by ClinVar (database versions not stated): gnomAD exomes below 0.00001.
gnomAD v4.1: 1 of 1,614,146 alleles (0.000062%); highest among the groups gnomAD compares: Non-Finnish European, 0.000085%; no homozygotes.

Submissions (4):

Natera, Inc.
Classification: Likely pathogenic for Charlevoix-Saguenay type spastic ataxia. Last evaluated: 2024-04-25. Review status: criteria provided, single submitter. Criteria: Natera Variant Classification Schema (03/2026). Collection method: clinical testing. Allele origin: germline.
Comment: The c.13350G>A variant in SACS is a nonsense variant predicted to introduce a stop codon at amino acid 4450. This variant is expected to result in nonsense mediated decay, truncation, or a dysfunctional protein product. This variant is rare in the general population with a frequency below the threshold expected for the associated phenotype(s). Given the available evidence, this variant is classified as Likely Pathogenic.

Baylor Genetics
Classification: Likely pathogenic for Charlevoix-Saguenay spastic ataxia. Last evaluated: 2024-01-09. Review status: criteria provided, single submitter. Criteria: ACMG Guidelines, 2015. Collection method: clinical testing. Allele origin: unknown.

Broad Center for Mendelian Genomics, Broad Institute of MIT and Harvard
Classification: Likely pathogenic for Charlevoix-Saguenay spastic ataxia. Last evaluated: 2023-01-25. Review status: criteria provided, single submitter. Criteria: ACMG Guidelines, 2015. Collection method: curation. Allele origin: germline. Inheritance: Autosomal recessive inheritance.
Comment: The p.Trp4450Ter variant in SACS has not been previously reported in individuals with spastic ataxia of the Charlevoix-Saguenay type. This variant was absent from large population studies. This nonsense variant leads to a premature termination codon at position 4450. This alteration occurs within the terminal 50 bases of the last exon and is more likely to escape nonsense mediated decay (NMD) and result in a truncated protein. Loss of function of the SACS gene is an established disease mechanism of autosomal recessive spastic ataxia of the Charlevoix-Saguenay type. In summary, although additional studies are required to fully establish its clinical significance, this variant is likely pathogenic for autosomal recessive spastic ataxia. ACMG/AMP Criteria applied: PVS1_Strong, PM2_Supporting, PM3 (Richards 2015).

Laboratory for Molecular Medicine, Mass General Brigham Personalized Medicine
Classification: Likely pathogenic for Autosomal recessive spastic ataxia. Last evaluated: 2021-02-03. Review status: criteria provided, single submitter. Criteria: ACMG Guidelines, 2015. Collection method: clinical testing. Allele origin: germline. Inheritance: Autosomal recessive inheritance.
Comment: The p.Trp4450X variant in SACS has not been previously reported in individuals with autosomal recessive spastic ataxia of Charlevoix-Saguenay and was absent from large population studies. This nonsense variant leads to a premature termination codon at position 4450. This alteration occurs within the last exon and is, therefore, likely to escape nonsense mediated decay (NMD) and result in a truncated protein. However, functional studies and identification of other affected individuals with variants in this region suggest that this region is critical for protein function (Kozlov 2011, PMID:21507954). In summary, although additional studies are required to fully establish its clinical significance, this variant meets criteria to be classified as likely pathogenic for autosomal recessive spastic ataxia of Charlevoix-Saguenay. ACMG/AMP Criteria applied: PVS1_Strong, PM3, PM2_Supporting.

Literature cited by the submitters: PubMed 21507954 (cited by Laboratory for Molecular Medicine, Mass General Brigham Personalized Medicine).